The following is an entry in ClinVar:

ClinVar aggregate classification (germline): Uncertain significance. Review status: criteria provided, multiple submitters, no conflicts (2 of 4 stars). 2 submissions from 2 submitters: Uncertain significance (2). Last evaluated 2025-03-17.

Allele frequency attached by ClinVar (database versions not stated): ExAC 0.00002.
gnomAD v4.1: 6 of 1,613,772 alleles (0.00037%); highest among the groups gnomAD compares: Middle Eastern, 0.033%; no homozygotes.

Submissions (2):

Labcorp Genetics (formerly Invitae), Labcorp
Classification: Uncertain significance. Last evaluated: 2025-03-17. Review status: criteria provided, single submitter. Criteria: Invitae Variant Classification Sherloc (09022015). Collection method: clinical testing. Allele origin: germline.
Comment: This sequence change replaces methionine, which is neutral and non-polar, with leucine, which is neutral and non-polar, at codon 5492 of the HMCN1 protein (p.Met5492Leu). This variant is present in population databases (rs752068664, gnomAD 0.003%). This variant has not been reported in the literature in individuals affected with HMCN1-related conditions. ClinVar contains an entry for this variant (Variation ID: 1940535). An algorithm developed to predict the effect of missense changes on protein structure and function (PolyPhen-2) suggests that this variant is likely to be tolerated. In summary, the available evidence is currently insufficient to determine the role of this variant in disease. Therefore, it has been classified as a Variant of Uncertain Significance.

Ambry Genetics
Classification: Uncertain significance. Last evaluated: 2024-08-12. Review status: criteria provided, single submitter. Criteria: Ambry Variant Classification Scheme 2023. Collection method: clinical testing. Allele origin: germline.

NM_031935.3(HMCN1):c.16474A>T (p.Met5492Leu)

Genes: HMCN1 (hemicentin 1; plus strand), LOC126805953 (P300/CBP strongly-dependent group 1 enhancer GRCh37_chr1:186156636-186157835; plus strand). Cytogenetic location: 1q31.1.
Variant type: single nucleotide variant.
Coding change: c.16474A>T on transcript NM_031935.3 (MANE Select); coding-DNA position 16474, A replaced by T.
Protein change: p.Met5492Leu; replaces methionine 5492 with leucine.
Molecular consequence: missense variant.
Genome position (GRCh38, 1-based): chr1:186,187,942, A>T. VCF-style: chr1-186187942-A-T. GRCh37 (hg19) VCF-style: chr1-186157074-A-T.
Other names: c.16474A>T (NM_031935.2); short protein forms M5492L.
Identifiers: ClinVar variation 1940535 (VCV001940535.6), dbSNP rs752068664, ClinGen allele CA1295571.
Genomic context (GRCh38, chr1:186,187,942, plus strand): 5'-GATATCGATGAATGTCTGGAGCAGAATGTGCACTGTGGACCCAATCGCATGTGCTTCAAC[A>T]TGAGAGGAAGCTACCAGTGCATCGATACACCCTGTCCACCCAACTACCAACGGGATCCTG-3'
Protein context (NP_114141.2, residues 5482-5502): HCGPNRMCFN[Met5492Leu]RGSYQCIDTP